The following is an entry in ClinVar:

ClinVar aggregate classification (germline): Uncertain significance (1 of 4 stars; one submission).

Conditions:
PCNT-related disorder. Also called: PCNT-related condition.

gnomAD v4.1: 3 of 1,602,034 alleles (0.00019%); highest among the groups gnomAD compares: Non-Finnish European, 0.00026%; no homozygotes.

Submission:

PreventionGenetics, part of Exact Sciences
Classification: Uncertain significance for PCNT-related condition. Last evaluated: 2026-09-02. Review status: criteria provided, single submitter. Criteria: ACMG Guidelines, 2015. Collection method: clinical testing. Allele origin: germline.
Comment: The PCNT c.4018T>C variant is predicted to result in the amino acid substitution p.Phe1340Leu. To our knowledge, this variant has not been reported in the literature or in a large population database (gnomAD), indicating this variant is rare. At this time, the clinical significance of this variant is uncertain due to the absence of conclusive functional and genetic evidence.

NM_006031.6(PCNT):c.4018T>C (p.Phe1340Leu)

Gene: PCNT (pericentrin; plus strand). Cytogenetic location: 21q22.3.
Variant type: single nucleotide variant.
Coding change: c.4018T>C on transcript NM_006031.6 (MANE Select); coding-DNA position 4018, T replaced by C.
Protein change: p.Phe1340Leu; replaces phenylalanine 1340 with leucine.
Molecular consequence: missense variant.
Genome position (GRCh38, 1-based): chr21:46,391,178, T>C. VCF-style: chr21-46391178-T-C. GRCh37 (hg19) VCF-style: chr21-47811093-T-C.
Other names: c.3664T>C, p.Phe1222Leu (NM_001315529.2); short protein forms F1222L, F1340L.
Identifiers: ClinVar variation 4995078 (VCV004995078.1).